The following is an entry in ClinVar:

ClinVar aggregate classification (germline): Uncertain significance (0 of 4 stars; one submission).

Conditions:
TTN-related disorder. Also called: TTN-related disorders; TTN-related condition; TTN-related disease.

gnomAD v4.1: 1 of 1,613,470 alleles (0.000062%); highest among the groups gnomAD compares: Admixed American, 0.0017%; no homozygotes.

Submission:

PreventionGenetics, part of Exact Sciences
Classification: Uncertain significance for TTN-related condition. Last evaluated: 2024-09-25. Review status: no assertion criteria provided. Collection method: clinical testing. Allele origin: germline.
Comment: The TTN c.26611A>G variant is predicted to result in the amino acid substitution p.Thr8871Ala. To our knowledge, this variant has not been reported in the literature or in a large population database, indicating this variant is rare. At this time, the clinical significance of this variant is uncertain due to the absence of conclusive functional and genetic evidence.

NM_001267550.2(TTN):c.26611A>G (p.Thr8871Ala)

Gene: TTN (titin; minus strand). Cytogenetic location: 2q31.2.
Variant type: single nucleotide variant.
Coding change: c.26611A>G on transcript NM_001267550.2 (MANE Select); coding-DNA position 26611, A replaced by G.
Protein change: p.Thr8871Ala; replaces threonine 8871 with alanine.
Molecular consequence: missense variant. On other transcripts: intron variant (3).
Genome position (GRCh38, 1-based): chr2:178,714,047, T>C on the plus strand (A>G on the coding strand, the complement: TTN is on the minus strand). VCF-style: chr2-178714047-T-C. GRCh37 (hg19) VCF-style: chr2-179578774-T-C.
Other names: c.25660A>G, p.Thr8554Ala (NM_001256850.1); c.22879A>G, p.Thr7627Ala (NM_133378.4); c.13282+24035A>G (NM_003319.4); c.13858+24035A>G (NM_133437.4); c.13657+24035A>G (NM_133432.3); short protein forms T7627A, T8554A, T8871A.
Identifiers: ClinVar variation 3349749 (VCV003349749.1).